The following is an entry in ClinVar:

ClinVar aggregate classification (germline): Uncertain significance. Review status: criteria provided, multiple submitters, no conflicts (2 of 4 stars). 3 submissions from 3 submitters: Uncertain significance (3). Last evaluated 2024-08-29.

Conditions:
Osteoporosis with pseudoglioma (OPPG). Also called: osteoporosis-pseudoglioma syndrome. Identifiers: Orphanet 2788, MedGen C0432252, MONDO:0009820, OMIM 259770.
Autosomal dominant osteopetrosis 1 (OPTA1). Also called: OSTEOPETROSIS, AUTOSOMAL DOMINANT, TYPE I. Identifiers: Orphanet 2783, MedGen C1843330, MONDO:0011877, OMIM 607634.
Bone mineral density quantitative trait locus 1 (BMND1). Identifiers: MedGen C1866079, OMIM 601884.
Worth disease. Also called: OSTEOSCLEROSIS, AUTOSOMAL DOMINANT; Autosomal dominant osteosclerosis, Worth type; ENDOSTEAL HYPEROSTOSIS, AUTOSOMAL DOMINANT. Identifiers: Orphanet 2790, MedGen C0432273, MONDO:0007764, OMIM 144750.
Polycystic liver disease 4 with or without kidney cysts. Identifiers: MedGen C4693479, MONDO:0044327, OMIM 617875.
Exudative vitreoretinopathy 4 (EVR4). Identifiers: Orphanet 891, MedGen C1866176, MONDO:0011151, OMIM 601813.

Allele frequency attached by ClinVar (database versions not stated): ExAC below 0.00001; TOPMed below 0.00001; gnomAD 0.00001.
gnomAD v4.1: 15 of 875,018 alleles (0.0017%); highest among the groups gnomAD compares: East Asian, 0.006%; no homozygotes.

Submissions (3):

Labcorp Genetics (formerly Invitae), Labcorp
Classification: Uncertain significance. Last evaluated: 2024-08-29. Review status: criteria provided, single submitter. Criteria: Invitae Variant Classification Sherloc (09022015). Collection method: clinical testing. Allele origin: germline.
Comment: This sequence change replaces proline, which is neutral and non-polar, with leucine, which is neutral and non-polar, at codon 1496 of the LRP5 protein (p.Pro1496Leu). The frequency data for this variant in the population databases is considered unreliable, as metrics indicate poor data quality at this position in the gnomAD database. This variant has not been reported in the literature in individuals affected with LRP5-related conditions. ClinVar contains an entry for this variant (Variation ID: 857773). An algorithm developed to predict the effect of missense changes on protein structure and function (PolyPhen-2) suggests that this variant is likely to be tolerated. In summary, the available evidence is currently insufficient to determine the role of this variant in disease. Therefore, it has been classified as a Variant of Uncertain Significance.

Fulgent Genetics
Classification: Uncertain significance for Worth disease; Osteoporosis with pseudoglioma; Exudative vitreoretinopathy 4; Bone mineral density quantitative trait locus 1; Autosomal dominant osteopetrosis 1; Polycystic liver disease 4 with or without kidney cysts. Last evaluated: 2024-01-09. Review status: criteria provided, single submitter. Criteria: ACMG Guidelines, 2015. Collection method: clinical testing. Allele origin: germline.

GeneDx
Classification: Uncertain significance. Last evaluated: 2019-11-02. Review status: criteria provided, single submitter. Criteria: GeneDx Variant Classification Process June 2021. Collection method: clinical testing. Allele origin: germline. Affected: yes.
Comment: Not observed at a significant frequency in large population cohorts (Lek et al., 2016); In silico analysis, which includes protein predictors and evolutionary conservation, supports that this variant does not alter protein structure/function; Has not been previously published as pathogenic or benign to our knowledge

NM_002335.4(LRP5):c.4487C>T (p.Pro1496Leu)

Gene: LRP5 (LDL receptor related protein 5; plus strand). Cytogenetic location: 11q13.2.
Variant type: single nucleotide variant.
Coding change: c.4487C>T on transcript NM_002335.4 (MANE Select); coding-DNA position 4487, C replaced by T.
Protein change: p.Pro1496Leu; replaces proline 1496 with leucine.
Molecular consequence: missense variant.
Genome position (GRCh38, 1-based): chr11:68,439,915, C>T. VCF-style: chr11-68439915-C-T. GRCh37 (hg19) VCF-style: chr11-68207383-C-T.
Other names: c.2744C>T, p.Pro915Leu (NM_001291902.2); short protein forms P915L, P1496L.
Identifiers: ClinVar variation 857773 (VCV000857773.12), dbSNP rs778202459, ClinGen allele CA6150378.